The following is an entry in ClinVar:

NM_000492.4(CFTR):c.3254A>C (p.His1085Pro)

Genes: CFTR (CF transmembrane conductance regulator; plus strand), CFTR-AS2 (CFTR antisense RNA 2; minus strand), LOC111674472 (DNase I hypersensitive sites in introns 16 and 17a of CFTR; plus strand). Cytogenetic location: 7q31.2.
Variant type: single nucleotide variant.
Coding change: c.3254A>C on transcript NM_000492.4 (MANE Select); coding-DNA position 3254, A replaced by C.
Protein change: p.His1085Pro; replaces histidine 1085 with proline.
Molecular consequence: missense variant.
Genome position (GRCh38, 1-based): chr7:117,611,695, A>C. VCF-style: chr7-117611695-A-C. GRCh37 (hg19) VCF-style: chr7-117251749-A-C.
Other names: short protein forms H1085P.
Identifiers: ClinVar variation 1301326 (VCV001301326.7), dbSNP rs79635528, ClinGen allele CA368992270.

ClinVar aggregate classification (germline): Uncertain significance. Review status: criteria provided, multiple submitters, no conflicts (2 of 4 stars). 2 submissions from 2 submitters: Uncertain significance (2). Last evaluated 2023-12-27.

Conditions:
Cystic fibrosis (CF). Also called: MUCOVISCIDOSIS. Identifiers: Orphanet 586, MedGen C0010674, MONDO:0009061, OMIM 219700. Disease mechanism: loss of function.

Allele frequency attached by ClinVar (database versions not stated): gnomAD exomes below 0.00001.
gnomAD v4.1: 2 of 1,613,584 alleles (0.00012%); highest among the groups gnomAD compares: Non-Finnish European, 0.00017%; no homozygotes.

Submissions (2):

Labcorp Genetics (formerly Invitae), Labcorp
Classification: Uncertain significance for Cystic fibrosis. Last evaluated: 2023-12-27. Review status: criteria provided, single submitter. Criteria: Invitae Variant Classification Sherloc (09022015). Collection method: clinical testing. Allele origin: germline.
Comment: This sequence change replaces histidine, which is basic and polar, with proline, which is neutral and non-polar, at codon 1085 of the CFTR protein (p.His1085Pro). This variant is present in population databases (no rsID available, gnomAD 0.0009%). This variant has not been reported in the literature in individuals affected with CFTR-related conditions. ClinVar contains an entry for this variant (Variation ID: 1301326). Advanced modeling of protein sequence and biophysical properties (such as structural, functional, and spatial information, amino acid conservation, physicochemical variation, residue mobility, and thermodynamic stability) performed at Invitae indicates that this missense variant is expected to disrupt CFTR protein function with a positive predictive value of 80%. This variant disrupts the p.His1085 amino acid residue in CFTR. Other variant(s) that disrupt this residue have been determined to be pathogenic (PMID: 7683628, 10517260, 15141088, 23891399). This suggests that this residue is clinically significant, and that variants that disrupt this residue are likely to be disease-causing. In summary, the available evidence is currently insufficient to determine the role of this variant in disease. Therefore, it has been classified as a Variant of Uncertain Significance.

Women's Health and Genetics/Laboratory Corporation of America, LabCorp
Classification: Uncertain significance. Last evaluated: 2023-01-06. Review status: criteria provided, single submitter. Criteria: LabCorp Variant Classification Summary - May 2015. Collection method: clinical testing. Allele origin: germline.
Comment: Variant summary: CFTR c.3254A>C (p.His1085Pro) results in a non-conservative amino acid change located in the ABC transporter type 1, transmembrane domain of the encoded protein sequence. Five of five in-silico tools predict a damaging effect of the variant on protein function. The variant allele was found at a frequency of 4e-06 in 251110 control chromosomes. The available data on variant occurrences in the general population are insufficient to allow any conclusion about variant significance. To our knowledge, no occurrence of c.3254A>C in individuals affected with Cystic Fibrosis and no experimental evidence demonstrating its impact on protein function have been reported. No clinical diagnostic laboratories have submitted clinical-significance assessments for this variant to ClinVar after 2014. Based on the evidence outlined above, the variant was classified as uncertain significance.

Literature cited by the submitters: PubMed 7683628 (cited by Labcorp Genetics (formerly Invitae), Labcorp); PubMed 10517260 (cited by Labcorp Genetics (formerly Invitae), Labcorp); PubMed 15141088 (cited by Labcorp Genetics (formerly Invitae), Labcorp); PubMed 23891399 (cited by Labcorp Genetics (formerly Invitae), Labcorp); PubMed 34583889 (cited by Women's Health and Genetics/Laboratory Corporation of America, LabCorp); PubMed 35527187 (cited by Women's Health and Genetics/Laboratory Corporation of America, LabCorp).